The following is an entry in ClinVar:

NM_003560.4(PLA2G6):c.1612C>T (p.Arg538Cys)

Gene: PLA2G6 (phospholipase A2 group VI; minus strand). Cytogenetic location: 22q13.1.
Variant type: single nucleotide variant.
Coding change: c.1612C>T on transcript NM_003560.4 (MANE Select); coding-DNA position 1612, C replaced by T.
Protein change: p.Arg538Cys; replaces arginine 538 with cysteine.
Molecular consequence: missense variant.
Genome position (GRCh38, 1-based): chr22:38,120,889, G>A on the plus strand (C>T on the coding strand, the complement: PLA2G6 is on the minus strand). VCF-style: chr22-38120889-G-A. GRCh37 (hg19) VCF-style: chr22-38516896-G-A.
Other names: NM_003560.4(PLA2G6):c.1612C>T; p.Arg538Cys; c.1450C>T, p.Arg484Cys (NM_001004426.3, NM_001199562.3, NM_001349865.2 and 1 more transcripts); c.1612C>T, p.Arg538Cys (NM_001349864.2); c.1078C>T, p.Arg360Cys (NM_001349867.2); c.934C>T, p.Arg312Cys (NM_001349868.2); c.916C>T, p.Arg306Cys (NM_001349869.2); short protein forms R538C, R360C, R306C, R312C, R484C.
Identifiers: ClinVar variation 159738 (VCV000159738.14), dbSNP rs370691849, ClinGen allele CA173215.

ClinVar aggregate classification (germline): Pathogenic/Likely pathogenic. Review status: criteria provided, multiple submitters, no conflicts (2 of 4 stars). 5 submissions from 5 submitters: Pathogenic (2); Likely pathogenic (3). Last evaluated 2025-05-06.

Conditions:
PLA2G6-related disorder. Also called: PLA2G6-related condition.
PLA2G6-associated neurodegeneration (PLAN). Also called: phospholipase A2-associated neurodegeneration. Identifiers: Orphanet 329303, MedGen CN204472, MONDO:0017998.
Infantile neuroaxonal dystrophy (NBIA2A). Also called: Infantile neuroaxonal dystrophy 1; NEURODEGENERATION WITH BRAIN IRON ACCUMULATION 2A; SEITELBERGER DISEASE. Identifiers: Orphanet 35069, MedGen C0270724, MONDO:0024457, OMIM 256600.
Iron accumulation in brain. Identifiers: MedGen C4021076, HP:0012675.

Allele frequency attached by ClinVar (database versions not stated): gnomAD exomes 0.00001; gnomAD 0.00003; TOPMed 0.00003; ESP Exome Variant Server 0.00008; ExAC 0.00001.

Submissions (5):

Broad Center for Mendelian Genomics, Broad Institute of MIT and Harvard
Classification: Likely pathogenic for PLA2G6-associated neurodegeneration. Last evaluated: 2025-05-06. Review status: criteria provided, single submitter. Criteria: ACMG Guidelines, 2015. Collection method: curation. Allele origin: germline. Inheritance: Autosomal recessive inheritance.
Comment: The p.Arg538Cys variant in PLA2G6 has been reported in 3 individuals with PLA2G6-associated neurodegeneration (PMID: 16783378, 24252552, 32771225), and has been identified in 0.003% (2/63536) of European (Finnish) chromosomes by the Genome Aggregation Database (gnomAD; dbSNP ID: rs370691849). Although this variant has been seen in the general population in a heterozygous state, its frequency is low enough to be consistent with a recessive carrier frequency. This variant has also been reported in ClinVar (Variation ID#: 159738) and has been interpreted as pathogenic/likely pathogenic by Genetic Services Laboratory (University of Chicago), Labcorp Genetics, and GeneDx. Of the 3 affected individuals, 2 were compound heterozygotes that carried a likely pathogenic variant in trans or with unknown phase, which increases the likelihood that the p.Arg538Cys variant is pathogenic (VariationID: 32771225; PMID: 24252552, 32771225). Computational prediction tools and conservation analyses suggest that this variant may impact the protein, though this information is not predictive enough to determine pathogenicity. The phenotype of an individual compound heterozygous for this variant is highly specific for PLA2G6-associated neurodegeneration based on brain iron accumulation on MRI consistent with disease (PMID: 24252552). In summary, although additional studies are required to fully establish its clinical significance, this variant is likely pathogenic for autosomal recessive PLA2G6-associated neurodegeneration. ACMG/AMP Criteria applied: PM2_supporting, PM3, PP3_moderate, PP4 (Richards 2015).

GeneDx
Classification: Likely pathogenic. Last evaluated: 2024-11-08. Review status: criteria provided, single submitter. Criteria: GeneDx Variant Classification Process June 2021. Collection method: clinical testing. Allele origin: germline. Affected: yes.
Comment: Reported with a second variant in a patient with parkinsonism, rigidity, postural instability, and dementia; however, it is not clear if these variants are on the same (in cis) or different (in trans) alleles (PMID: 32771225); Not observed at significant frequency in large population cohorts (gnomAD); In silico analysis supports that this missense variant has a deleterious effect on protein structure/function; This variant is associated with the following publications: (PMID: 18799783, 31589614, 35803092, 30363890, 31196701, 39184971, 16783378, 24252552, 27146152, 27196560, 32771225)

Labcorp Genetics (formerly Invitae), Labcorp
Classification: Pathogenic for Infantile neuroaxonal dystrophy. Last evaluated: 2024-06-14. Review status: criteria provided, single submitter. Criteria: Invitae Variant Classification Sherloc (09022015). Collection method: clinical testing. Allele origin: germline.
Comment: This sequence change replaces arginine, which is basic and polar, with cysteine, which is neutral and slightly polar, at codon 538 of the PLA2G6 protein (p.Arg538Cys). This variant is present in population databases (rs370691849, gnomAD 0.008%). This missense change has been observed in individual(s) with clinical features of PLA2G6-related conditions (PMID: 16783378, 24252552, 32771225). In at least one individual the data is consistent with being in trans (on the opposite chromosome) from a pathogenic variant. ClinVar contains an entry for this variant (Variation ID: 159738). Advanced modeling of protein sequence and biophysical properties (such as structural, functional, and spatial information, amino acid conservation, physicochemical variation, residue mobility, and thermodynamic stability) performed at Invitae indicates that this missense variant is expected to disrupt PLA2G6 protein function with a positive predictive value of 80%. For these reasons, this variant has been classified as Pathogenic.

Blueprint Genetics
Classification: Likely pathogenic for PLA2G6-related disorders. Last evaluated: 2021-04-30. Review status: criteria provided, single submitter. Criteria: ACMG Guidelines, 2015. Collection method: clinical testing. Allele origin: germline. Affected: yes. Observed: 2 variant alleles.

Genetic Services Laboratory, University of Chicago
Classification: Pathogenic for iron accumulation in brain. Last evaluated: 2013-02-08. Review status: criteria provided, single submitter. Criteria: ACMG Guidelines, 2007. Collection method: clinical testing. Allele origin: germline. Inheritance: Autosomal recessive inheritance. Affected: yes.

Literature cited by the submitters: PubMed 16783378 (cited by Labcorp Genetics (formerly Invitae), Labcorp); PubMed 24252552 (cited by Labcorp Genetics (formerly Invitae), Labcorp); PubMed 32771225 (cited by Labcorp Genetics (formerly Invitae), Labcorp).